The following is an entry in ClinVar:

ClinVar aggregate classification (germline): Pathogenic (1 of 4 stars; one submission).

Allele frequency attached by ClinVar (database versions not stated): gnomAD exomes below 0.00001.

Submission:

Labcorp Genetics (formerly Invitae), Labcorp
Classification: Pathogenic. Last evaluated: 2023-03-19. Review status: criteria provided, single submitter. Criteria: Invitae Variant Classification Sherloc (09022015). Collection method: clinical testing. Allele origin: germline.
Comment: This variant has not been reported in the literature in individuals affected with TG-related conditions. For these reasons, this variant has been classified as Pathogenic. This variant is not present in population databases (gnomAD no frequency). This sequence change creates a premature translational stop signal (p.His2426Leufs*47) in the TG gene. It is expected to result in an absent or disrupted protein product. Loss-of-function variants in TG are known to be pathogenic (PMID: 19837936, 23164529).

Literature cited by the submitters: PubMed 19837936; PubMed 23164529.

NM_003235.5(TG):c.7277del (p.His2426fs)

Genes: SLA (Src like adaptor; minus strand), TG (thyroglobulin; plus strand). Cytogenetic location: 8q24.22.
Variant type: Deletion.
Coding change: c.7277del on transcript NM_003235.5 (MANE Select); coding-DNA position 7277, one base deleted (A; older notation c.7277delA).
Protein change: p.His2426fs; shifts the reading frame from histidine 2426.
Molecular consequence: frameshift variant. On other transcripts: intron variant (4).
Genome position (GRCh38, 1-based): chr8:133,095,081, A deleted. VCF-style (leftmost placement, unchanged base first): chr8-133095080-CA-C. GRCh37 (hg19) VCF-style: chr8-134107324-CA-C.
Other names: c.-264+7472del (NM_001282965.2); c.11+7472del (NM_001282964.2, NM_001045557.3); c.-319+7472del (NM_001045556.3); short protein forms H2426fs.
Identifiers: ClinVar variation 2847414 (VCV002847414.3), dbSNP rs2537569171, ClinGen allele CA2688663243.
Genomic context (GRCh38, chr8:133,095,080, plus strand): 5'-CCCTGAGCCTGCTTTCTCTTCCAGGGAGGCTCCGCACTCTCCCCGGCCGCCGTCATCAGC[CA>C]TGAGAGGGCTCAGCAGCAGGCAATTGCTTTGGCAAAGGAGGTCAGTTGCCCCATGTCATC-3'